The following is an entry in ClinVar:

ClinVar aggregate classification (germline): Uncertain significance (1 of 4 stars; one submission).

Submission:

Center for Genomics, Ann and Robert H. Lurie Children's Hospital of Chicago
Classification: Uncertain significance. Last evaluated: 2021-03-30. Review status: criteria provided, single submitter. Criteria: ACMG Guidelines, 2015. Collection method: clinical testing. Allele origin: germline.
Comment: RNF207 NM_207396.2 exon 18 p.Arg630Asnfs*16 (c.1886_1889del): This variant has not been reported in the literature and is present in 0.05% (13/24104) of African alleles in the Genome Aggregation Database. Evolutionary conservation and computational predictive tools for this variant are limited or unavailable. This variant represents a deletion of four nucleotides and creates a premature stop codon 16 amino acids downstream from this location which results in an absent or abnormal protein. However, there is insufficient evidence to establish loss of function (LOF) as a known mechanism of disease at this time. In summary, data on this variant is insufficient for disease classification. Therefore, the clinical significance of this variant is uncertain.

NM_207396.3(RNF207):c.1889_1892del (p.Arg630fs)

Gene: RNF207 (ring finger protein 207; plus strand). Cytogenetic location: 1p36.31.
Variant type: Deletion.
Coding change: c.1889_1892del on transcript NM_207396.3 (MANE Select); coding-DNA positions 1889 to 1892, 4 bases deleted (GGGA; older notation c.1889_1892delGGGA).
Protein change: p.Arg630fs; shifts the reading frame from arginine 630.
Molecular consequence: frameshift variant.
Genome position (GRCh38, 1-based): chr1:6,219,391-6,219,394, GGGA deleted; deleting any 4 consecutive bases within chr1:6,219,388-6,219,394 gives the same sequence; the c. name uses the placement nearest the transcript's 3' end. VCF-style (leftmost placement, unchanged base first): chr1-6219387-TGGAG-T. GRCh37 (hg19) VCF-style: chr1-6279447-TGGAG-T.
Other names: short protein forms R630fs.
Identifiers: ClinVar variation 2501755 (VCV002501755.1), dbSNP rs764992467, ClinGen allele CA558364.